The following is an entry in ClinVar:

NM_001122630.2(CDKN1C):c.725_736del (p.Gly242_Ala245del)

Gene: CDKN1C (cyclin dependent kinase inhibitor 1C; minus strand). Cytogenetic location: 11p15.4.
Variant type: Deletion.
Coding change: c.725_736del on transcript NM_001122630.2 (MANE Select); coding-DNA positions 725 to 736, 12 bases deleted (GCACCGCGGCCG).
Protein change: p.Gly242_Ala245del.
Molecular consequence: inframe deletion. On other transcripts: intron variant (1).
Genome position (GRCh38, 1-based): chr11:2,884,721-2,884,732, CGGCCGCGGTGC deleted on the plus strand (GCACCGCGGCCG on the coding strand, the reverse complement: CDKN1C is on the minus strand); deleting any 12 consecutive bases within chr11:2,884,721-2,884,741 gives the same sequence; the c. name uses the placement nearest the transcript's 3' end. VCF-style (leftmost placement, unchanged base first): chr11-2884720-GCGGCCGCGGTGC-G. GRCh37 (hg19) VCF-style: chr11-2905950-GCGGCCGCGGTGC-G.
Other names: c.758_769del, p.Gly253_Ala256del (NM_000076.2, NM_001362474.2); c.725_736del, p.Gly242_Ala245del (NM_001122631.2); c.255+470_255+481del (NM_001362475.2); c.758_769del12 (NM_000076.2).
Identifiers: ClinVar variation 999688 (VCV000999688.8), dbSNP rs1341703910, ClinGen allele CA675283732.

ClinVar aggregate classification (germline): Uncertain significance. Review status: criteria provided, multiple submitters, no conflicts (2 of 4 stars). 3 submissions from 3 submitters: Uncertain significance (3). Last evaluated 2026-01-24.

Conditions:
Beckwith-Wiedemann syndrome (BWS). Also called: EMG SYNDROME; Exomphalos macroglossia gigantism syndrome. Identifiers: Orphanet 116, MedGen C0004903, MONDO:0007534, OMIM 130650.
IMAGe syndrome. Also called: Intrauterine Growth Restriction, Metaphyseal Dysplasia, Adrenal Hypoplasia Congenita, and Genital Anomalies; Intrauterine growth retardation, metaphyseal dysplasia, adrenal hypoplasia congenita, and genital anomalies. Identifiers: Orphanet 85173, MedGen C1846009, MONDO:0013873, OMIM 614732.
CDKN1C-related disorder. Also called: CDKN1C-related condition.

Submissions (3):

Clinical Genomics Laboratory, Washington University in St. Louis
Classification: Uncertain significance for IMAGe syndrome; Beckwith-Wiedemann syndrome. Last evaluated: 2026-01-24. Review status: criteria provided, single submitter. Criteria: ACMG Guidelines, 2015. Collection method: clinical testing. Allele origin: germline.
Comment: A CDKN1C c.725_736del (p.Gly242_Ala245del) variant was identified at a near heterozygous allelic fraction of 44.1%, a frequency which may be consistent with it being of germline origin. This variant, to our knowledge, has not been reported in the medical literature but has been reported in the ClinVar database a germline variant of uncertain significance by two submitters (ClinVar Variation ID: 999688). This variant is only observed in 13/1,504,930 alleles in the general population (gnomAD v4.1.0), indicating it is not a common variant. Due to limited information, and based on ACMG/AMP guidelines for variant interpretation (Richards S et al., PMID: 25741868), the clinical significance of this variant is uncertain at this time.

Labcorp Genetics (formerly Invitae), Labcorp
Classification: Uncertain significance for Beckwith-Wiedemann syndrome. Last evaluated: 2025-07-07. Review status: criteria provided, single submitter. Criteria: Invitae Variant Classification Sherloc (09022015). Collection method: clinical testing. Allele origin: germline.
Comment: This variant, c.758_769del, results in the deletion of 4 amino acid(s) of the CDKN1C protein (p.Gly253_Ala256del), but otherwise preserves the integrity of the reading frame. This variant is not present in population databases (gnomAD no frequency). This variant has not been reported in the literature in individuals affected with CDKN1C-related conditions. ClinVar contains an entry for this variant (Variation ID: 999688). Experimental studies and prediction algorithms are not available or were not evaluated, and the functional significance of this variant is currently unknown. In summary, the available evidence is currently insufficient to determine the role of this variant in disease. Therefore, it has been classified as a Variant of Uncertain Significance.

PreventionGenetics, part of Exact Sciences
Classification: Uncertain significance for CDKN1C-related condition. Last evaluated: 2023-01-04. Review status: criteria provided, single submitter. Criteria: ACMG Guidelines, 2015. Collection method: clinical testing. Allele origin: germline.
Comment: The CDKN1C c.758_769del12 variant is predicted to result in an in-frame deletion (p.Gly253_Ala256del). To our knowledge, this variant has not been reported in the literature or in a large population database, indicating this variant is rare. Although we suspect that this variant may be pathogenic, at this time, the clinical significance of this variant is uncertain due to the absence of conclusive functional and genetic evidence.

Literature cited by the submitters: uncertain (cited by Clinical Genomics Laboratory, Washington University in St. Louis).